The following is an entry in ClinVar:

NM_000179.3(MSH6):c.2502T>A (p.Ser834Arg)

Gene: MSH6 (mutS homolog 6; plus strand). Cytogenetic location: 2p16.3.
Variant type: single nucleotide variant.
Coding change: c.2502T>A on transcript NM_000179.3 (MANE Select); coding-DNA position 2502, T replaced by A.
Protein change: p.Ser834Arg; replaces serine 834 with arginine.
Molecular consequence: missense variant.
Genome position (GRCh38, 1-based): chr2:47,800,485, T>A. VCF-style: chr2-47800485-T-A. GRCh37 (hg19) VCF-style: chr2-48027624-T-A.
Other names: c.2112T>A, p.Ser704Arg (NM_001281492.2); c.1596T>A, p.Ser532Arg (NM_001281493.2, NM_001281494.2); short protein forms S532R, S704R, S834R.
Identifiers: ClinVar variation 1000789 (VCV001000789.9), dbSNP rs1669471280, ClinGen allele CA346754254.

ClinVar aggregate classification (germline): Uncertain significance (1 of 4 stars; one submission).

Conditions:
Hereditary nonpolyposis colorectal neoplasms. Identifiers: MedGen C0009405, MeSH D003123.

Submission:

Labcorp Genetics (formerly Invitae), Labcorp
Classification: Uncertain significance for Hereditary nonpolyposis colorectal neoplasms. Last evaluated: 2021-01-26. Review status: criteria provided, single submitter. Criteria: Invitae Variant Classification Sherloc (09022015). Collection method: clinical testing. Allele origin: germline.
Comment: In summary, the available evidence is currently insufficient to determine the role of this variant in disease. Therefore, it has been classified as a Variant of Uncertain Significance. Advanced modeling of protein sequence and biophysical properties (such as structural, functional, and spatial information, amino acid conservation, physicochemical variation, residue mobility, and thermodynamic stability) performed at Invitae indicates that this missense variant is not expected to disrupt MSH6 protein function. This variant has not been reported in the literature in individuals with MSH6-related conditions. This variant is not present in population databases (ExAC no frequency). This sequence change replaces serine with arginine at codon 834 of the MSH6 protein (p.Ser834Arg). The serine residue is moderately conserved and there is a moderate physicochemical difference between serine and arginine.